The following is an entry in ClinVar:

NM_001458.5(FLNC):c.7065C>A (p.Ser2355Arg)

Genes: FLNC (filamin C; plus strand), FLNC-AS1 (FLNC antisense RNA 1; minus strand). Cytogenetic location: 7q32.1.
Variant type: single nucleotide variant.
Coding change: c.7065C>A on transcript NM_001458.5 (MANE Select); coding-DNA position 7065, C replaced by A.
Protein change: p.Ser2355Arg; replaces serine 2355 with arginine.
Molecular consequence: missense variant.
Genome position (GRCh38, 1-based): chr7:128,854,842, C>A. VCF-style: chr7-128854842-C-A. GRCh37 (hg19) VCF-style: chr7-128494896-C-A.
Other names: c.6966C>A, p.Ser2322Arg (NM_001127487.2); short protein forms S2322R, S2355R.
Identifiers: ClinVar variation 3757673 (VCV003757673.3).

ClinVar aggregate classification (germline): Uncertain significance. Review status: criteria provided, multiple submitters, no conflicts (2 of 4 stars). 2 submissions from 2 submitters: Uncertain significance (2). Last evaluated 2025-03-19.

Conditions:
Distal myopathy with posterior leg and anterior hand involvement. Also called: WILLIAMS DISTAL MYOPATHY. Identifiers: Orphanet 63273, MedGen C3279722, MONDO:0013550, OMIM 614065.
Hypertrophic cardiomyopathy 26. Also called: Cardiomyopathy, familial hypertrophic, 26. Identifiers: Orphanet 75249, MedGen C4310749, MONDO:0014883, OMIM 617047.
Myofibrillar myopathy 5. Also called: Filaminopathy (type); FILAMINOPATHY, AUTOSOMAL DOMINANT. Identifiers: Orphanet 171445, MedGen C1836050, MONDO:0012289, OMIM 609524.

Submissions (2):

GeneDx
Classification: Uncertain significance. Last evaluated: 2025-03-19. Review status: criteria provided, single submitter. Criteria: GeneDx Variant Classification Process June 2021. Collection method: clinical testing. Allele origin: germline. Affected: yes.
Comment: Not observed at significant frequency in large population cohorts (gnomAD); In silico analysis supports that this missense variant has a deleterious effect on protein structure/function; Has not been previously published as pathogenic or benign to our knowledge

Labcorp Genetics (formerly Invitae), Labcorp
Classification: Uncertain significance for Distal myopathy with posterior leg and anterior hand involvement; Myofibrillar myopathy 5; Hypertrophic cardiomyopathy 26. Last evaluated: 2024-08-14. Review status: criteria provided, single submitter. Criteria: Invitae Variant Classification Sherloc (09022015). Collection method: clinical testing. Allele origin: germline.
Comment: This sequence change replaces serine, which is neutral and polar, with arginine, which is basic and polar, at codon 2355 of the FLNC protein (p.Ser2355Arg). This variant is not present in population databases (gnomAD no frequency). This variant has not been reported in the literature in individuals affected with FLNC-related conditions. Invitae Evidence Modeling of protein sequence and biophysical properties (such as structural, functional, and spatial information, amino acid conservation, physicochemical variation, residue mobility, and thermodynamic stability) indicates that this missense variant is not expected to disrupt FLNC protein function with a negative predictive value of 95%. In summary, the available evidence is currently insufficient to determine the role of this variant in disease. Therefore, it has been classified as a Variant of Uncertain Significance.